The following is an entry in ClinVar:

NM_001042702.5(PJVK):c.846C>T (p.Leu282=)

Gene: PJVK (pejvakin; plus strand). Cytogenetic location: 2q31.2.
Variant type: single nucleotide variant.
Coding change: c.846C>T on transcript NM_001042702.5 (MANE Select); coding-DNA position 846, C replaced by T.
Protein change: p.Leu282=; no amino-acid change (leucine 282 retained).
Molecular consequence: synonymous variant.
Genome position (GRCh38, 1-based): chr2:178,461,061, C>T. VCF-style: chr2-178461061-C-T. GRCh37 (hg19) VCF-style: chr2-179325788-C-T.
Other names: c.855C>T, p.Leu285= (NM_001353775.2); c.852C>T, p.Leu284= (NM_001353776.2); c.369C>T, p.Leu123= (NM_001353777.1, NM_001353778.2); c.846C>T, p.Leu282= (NM_001369912.1).
Identifiers: ClinVar variation 1331312 (VCV001331312.2), dbSNP rs2154126344, ClinGen allele CA430080854.

ClinVar aggregate classification (germline): Uncertain significance (1 of 4 stars; one submission).

Submission:

GeneDx
Classification: Uncertain significance. Last evaluated: 2021-06-29. Review status: criteria provided, single submitter. Criteria: GeneDx Variant Classification Process June 2021. Collection method: clinical testing. Allele origin: germline. Affected: yes.
Comment: Not observed at significant frequency in large population cohorts (Lek et al., 2016); In silico analysis supports that this variant does not alter splicing; Has not been previously published as pathogenic or benign to our knowledge; This variant is associated with the following publications: (PMID: 27535533)